The following is an entry in ClinVar:

ClinVar aggregate classification (germline): Uncertain significance. Review status: criteria provided, multiple submitters, no conflicts (2 of 4 stars). 2 submissions from 2 submitters: Uncertain significance (2). Last evaluated 2025-02-15.

Conditions:
Cardiovascular phenotype. Identifiers: MedGen CN230736.

Allele frequency attached by ClinVar (database versions not stated): gnomAD 0.00001; gnomAD exomes 0.00001; ExAC 0.00002; TOPMed 0.00003.
gnomAD v4.1: 12 of 1,612,860 alleles (0.00074%); highest among the groups gnomAD compares: Admixed American, 0.0017%; no homozygotes.

Submissions (2):

Ambry Genetics
Classification: Uncertain significance for Cardiovascular phenotype. Last evaluated: 2025-02-15. Review status: criteria provided, single submitter. Criteria: Ambry Variant Classification Scheme 2023. Collection method: clinical testing. Allele origin: germline.
Comment: The p.R2630C variant (also known as c.7888C>T), located in coding exon 22 of the TNXB gene, results from a C to T substitution at nucleotide position 7888. The arginine at codon 2630 is replaced by cysteine, an amino acid with highly dissimilar properties. This amino acid position is conserved. In addition, this alteration is predicted to be tolerated by in silico analysis. Since supporting evidence is limited at this time, the clinical significance of this alteration remains unclear.

GeneDx
Classification: Uncertain significance. Last evaluated: 2022-12-30. Review status: criteria provided, single submitter. Criteria: GeneDx Variant Classification Process June 2021. Collection method: clinical testing. Allele origin: germline. Affected: yes.
Comment: Has not been previously published as pathogenic or benign to our knowledge; Not observed at significant frequency in large population cohorts (gnomAD); In silico analysis supports that this missense variant has a deleterious effect on protein structure/function

NM_001365276.2(TNXB):c.7888C>T (p.Arg2630Cys)

Gene: TNXB (tenascin XB; minus strand). Cytogenetic location: 6p21.33.
Variant type: single nucleotide variant.
Coding change: c.7888C>T on transcript NM_001365276.2 (MANE Select); coding-DNA position 7888, C replaced by T.
Protein change: p.Arg2630Cys; replaces arginine 2630 with cysteine.
Molecular consequence: missense variant.
Genome position (GRCh38, 1-based): chr6:32,056,841, G>A on the plus strand (C>T on the coding strand, the complement: TNXB is on the minus strand). VCF-style: chr6-32056841-G-A. GRCh37 (hg19) VCF-style: chr6-32024618-G-A.
Other names: c.7888C>T, p.Arg2630Cys (NM_019105.8); short protein forms R2630C.
Identifiers: ClinVar variation 1761025 (VCV001761025.4), dbSNP rs775178393, ClinGen allele CA3734014.